The following is an entry in ClinVar:

NM_080473.5(GATA5):c.1045G>C (p.Gly349Arg)

Gene: GATA5 (GATA binding protein 5; minus strand). Cytogenetic location: 20q13.33.
Variant type: single nucleotide variant.
Coding change: c.1045G>C on transcript NM_080473.5 (MANE Select); coding-DNA position 1045, G replaced by C.
Protein change: p.Gly349Arg; replaces glycine 349 with arginine.
Molecular consequence: missense variant.
Genome position (GRCh38, 1-based): chr20:62,464,985, C>G on the plus strand (G>C on the coding strand, the complement: GATA5 is on the minus strand). VCF-style: chr20-62464985-C-G. GRCh37 (hg19) VCF-style: chr20-61040041-C-G.
Other names: short protein forms G349R.
Identifiers: ClinVar variation 2692547 (VCV002692547.1), dbSNP rs781800474, ClinGen allele CA409552063.

ClinVar aggregate classification (germline): Uncertain significance (1 of 4 stars; one submission).

Submission:

Greenwood Genetic Center Diagnostic Laboratories, Greenwood Genetic Center
Classification: Uncertain significance. Last evaluated: 2023-10-13. Review status: criteria provided, single submitter. Criteria: ACMG Guidelines, 2015. Collection method: clinical testing. Allele origin: germline. Affected: yes.
Comment: PM2